The following is an entry in ClinVar:

ClinVar aggregate classification (germline): Conflicting classifications of pathogenicity. Review status: criteria provided, conflicting classifications (1 of 4 stars). 5 submissions from 5 submitters: Uncertain significance (3); Likely benign (1). 1 of the submissions does not count toward it. Last evaluated 2025-07-22.

Conditions:
Hereditary cancer-predisposing syndrome. Also called: Tumor predisposition; Hereditary Cancer Syndrome; Neoplastic Syndromes, Hereditary; Hereditary neoplastic syndrome. Identifiers: Orphanet 140162, MedGen C0027672, MeSH D009386, MONDO:0015356.
Hereditary breast ovarian cancer syndrome. Also called: Breast and ovarian cancer; Hereditary breast and ovarian cancer; Hereditary breast and ovarian cancer syndrome; BRCA1- and BRCA2-Associated Hereditary Breast and Ovarian Cancer; Hereditary breast and ovarian cancer syndrome (HBOC); Hereditary breast and/or ovarian cancer syndrome. Identifiers: Orphanet 145, MedGen C0677776, MeSH D061325, MONDO:0003582. Disease mechanism: loss of function.
Breast-ovarian cancer, familial, susceptibility to, 2 (BROVCA2). Also called: BRCA2 Hereditary Breast and Ovarian Cancer. Identifiers: Orphanet 145, MedGen C2675520, MONDO:0012933, OMIM 612555. Disease mechanism: loss of function.

Allele frequency attached by ClinVar (database versions not stated): gnomAD exomes below 0.00001; gnomAD 0.00001; TOPMed 0.00001.
gnomAD v4.1: 6 of 1,614,030 alleles (0.00037%); highest among the groups gnomAD compares: African/African-American, 0.0067%; no homozygotes.

Submissions (5):

Labcorp Genetics (formerly Invitae), Labcorp
Classification: Uncertain significance for Hereditary breast ovarian cancer syndrome. Last evaluated: 2025-07-22. Review status: criteria provided, single submitter. Criteria: Invitae Variant Classification Sherloc (09022015). Collection method: clinical testing. Allele origin: germline.
Comment: This sequence change replaces leucine, which is neutral and non-polar, with proline, which is neutral and non-polar, at codon 3136 of the BRCA2 protein (p.Leu3136Pro). This variant is present in population databases (rs398122614, gnomAD 0.007%). This variant has not been reported in the literature in individuals affected with BRCA2-related conditions. ClinVar contains an entry for this variant (Variation ID: 91525). Invitae Evidence Modeling of protein sequence and biophysical properties (such as structural, functional, and spatial information, amino acid conservation, physicochemical variation, residue mobility, and thermodynamic stability) indicates that this missense variant is not expected to disrupt BRCA2 protein function with a negative predictive value of 95%. In summary, the available evidence is currently insufficient to determine the role of this variant in disease. Therefore, it has been classified as a Variant of Uncertain Significance.

St. Jude Molecular Pathology, St. Jude Children's Research Hospital
Classification: Uncertain significance for Breast-ovarian cancer, familial, susceptibility to, 2. Last evaluated: 2024-09-18. Review status: criteria provided, single submitter. Criteria: St. Jude Assertion Criteria 2020. Collection method: clinical testing. Allele origin: germline.
Comment: The BRCA2 c.9407T>C (p.Leu3136Pro) missense change has a maximum subpopulation frequency of 0.006% in gnomAD v2.1.1. The in silico tool REVEL is inconclusive about a pathogenic or benign effect of this variant on protein function, and to our knowledge functional studies have not been performed. To our knowledge, this variant has not been reported as pathogenic in individuals with BRCA2-related disease. In summary, the evidence currently available is insufficient to determine the clinical significance of this variant. It has therefore been classified as of uncertain significance.

Color Diagnostics, LLC DBA Color Health
Classification: Uncertain significance for Hereditary cancer-predisposing syndrome. Last evaluated: 2024-03-06. Review status: criteria provided, single submitter. Criteria: ACMG Guidelines, 2015. Collection method: clinical testing. Allele origin: germline.
Comment: This missense variant replaces leucine with proline at codon 3136 of the BRCA2 protein. Computational prediction suggests that this variant may not impact protein structure and function (internally defined REVEL score threshold <= 0.5, PMID: 27666373). To our knowledge, functional studies have not been reported for this variant. This variant has not been reported in individuals affected with hereditary cancer in the literature. This variant has been identified in 1/251362 chromosomes in the general population by the Genome Aggregation Database (gnomAD). The available evidence is insufficient to determine the role of this variant in disease conclusively. Therefore, this variant is classified as a Variant of Uncertain Significance.

Ambry Genetics
Classification: Likely benign for Hereditary cancer-predisposing syndrome. Last evaluated: 2019-03-07. Review status: criteria provided, single submitter. Criteria: Ambry Variant Classification Scheme 2023. Collection method: clinical testing. Allele origin: germline.

Sharing Clinical Reports Project (SCRP)
Classification: Uncertain significance for Breast-ovarian cancer, familial 2. Last evaluated: 2010-12-01. Review status: no assertion criteria provided. Collection method: clinical testing. Allele origin: germline. Not counted in ClinVar's aggregate classification.

NM_000059.4(BRCA2):c.9407T>C (p.Leu3136Pro)

Gene: BRCA2 (BRCA2 DNA repair associated; plus strand). Cytogenetic location: 13q13.1.
Variant type: single nucleotide variant.
Coding change: c.9407T>C on transcript NM_000059.4 (MANE Select); coding-DNA position 9407, T replaced by C.
Protein change: p.Leu3136Pro; replaces leucine 3136 with proline.
Molecular consequence: missense variant.
Genome position (GRCh38, 1-based): chr13:32,394,839, T>C. VCF-style: chr13-32394839-T-C. GRCh37 (hg19) VCF-style: chr13-32968976-T-C.
Other names: 9635T>C; short protein forms L3136P.
Identifiers: ClinVar variation 91525 (VCV000091525.19), dbSNP rs398122614, ClinGen allele CA026144.